The following is an entry in ClinVar:

NM_001371395.1(USP53):c.1527T>C (p.His509=)

Gene: USP53 (ubiquitin specific peptidase 53; plus strand). Cytogenetic location: 4q26.
Variant type: single nucleotide variant.
Coding change: c.1527T>C on transcript NM_001371395.1 (MANE Select); coding-DNA position 1527, T replaced by C.
Protein change: p.His509=; no amino-acid change (histidine 509 retained).
Molecular consequence: synonymous variant.
Genome position (GRCh38, 1-based): chr4:119,271,387, T>C. VCF-style: chr4-119271387-T-C. GRCh37 (hg19) VCF-style: chr4-120192542-T-C.
Other names: c.1527T>C (NM_019050.2); c.1374T>C, p.His458= (NM_001371396.1, NM_001389661.1); c.1527T>C, p.His509= (NM_001371397.1, NM_001371398.1, NM_001371399.1 and 3 more transcripts); c.1377T>C, p.His459= (NM_001389660.1); c.1179T>C, p.His393= (NM_001389662.1, NM_001389663.1, NM_001389664.1 and 1 more transcripts); c.1026T>C, p.His342= (NM_001389665.1, NM_001389667.1).
Identifiers: ClinVar variation 2076787 (VCV002076787.5), dbSNP rs181612133, ClinGen allele CA3059188.

ClinVar aggregate classification (germline): Likely benign. Review status: criteria provided, multiple submitters, no conflicts (2 of 4 stars). 2 submissions from 2 submitters: Likely benign (2). Last evaluated 2026-08-18.

Conditions:
USP53-related disorder. Also called: USP53-related condition.

Allele frequency attached by ClinVar (database versions not stated): ESP Exome Variant Server 0.00017; gnomAD exomes 0.00020; gnomAD 0.00031; 1000 Genomes Project 0.00060; 1000 Genomes Project 30x 0.00078.
gnomAD v4.1: 352 of 1,613,586 alleles (0.022%); highest among the groups gnomAD compares: Admixed American, 0.062%; 1 homozygote.

Submissions (2):

PreventionGenetics, part of Exact Sciences
Classification: Likely benign for USP53-related condition. Last evaluated: 2026-08-18. Review status: criteria provided, single submitter. Criteria: ACMG Guidelines, 2015. Collection method: clinical testing. Allele origin: germline.
Comment: This variant is classified as likely benign based on ACMG/AMP sequence variant interpretation guidelines (Richards et al. 2015 PMID: 25741868, with internal and published modifications).

Labcorp Genetics (formerly Invitae), Labcorp
Classification: Likely benign. Last evaluated: 2025-06-02. Review status: criteria provided, single submitter. Criteria: Invitae Variant Classification Sherloc (09022015). Collection method: clinical testing. Allele origin: germline.